The following is an entry in ClinVar:

NM_020401.4(NUP107):c.1343C>G (p.Thr448Arg)

Gene: NUP107 (nucleoporin 107; plus strand). Cytogenetic location: 12q15.
Variant type: single nucleotide variant.
Coding change: c.1343C>G on transcript NM_020401.4 (MANE Select); coding-DNA position 1343, C replaced by G.
Protein change: p.Thr448Arg; replaces threonine 448 with arginine.
Molecular consequence: missense variant.
Genome position (GRCh38, 1-based): chr12:68,721,872, C>G. VCF-style: chr12-68721872-C-G. GRCh37 (hg19) VCF-style: chr12-69115652-C-G.
Other names: c.1256C>G, p.Thr419Arg (NM_001330192.2); short protein forms T419R, T448R.
Identifiers: ClinVar variation 2023462 (VCV002023462.4), dbSNP rs1402480971, ClinGen allele CA385695004.
Genomic context (GRCh38, chr12:68,721,872, plus strand): 5'-TATGTTTCTGTTTTGTAATGGGGAAAAAGCTGCTTCCTGTCTGTGACACCTGGGAAGACA[C>G]AGTTTGGGCCTACTTCCGGGTGATGGTGGACAGTCTGGTAGAACAGGAGATCCAGACATC-3'
Protein context (NP_065134.1, residues 438-458): LLPVCDTWED[Thr448Arg]VWAYFRVMVD

ClinVar aggregate classification (germline): Uncertain significance (1 of 4 stars; one submission).

Submission:

Labcorp Genetics (formerly Invitae), Labcorp
Classification: Uncertain significance. Last evaluated: 2025-10-02. Review status: criteria provided, single submitter. Criteria: Invitae Variant Classification Sherloc (09022015). Collection method: clinical testing. Allele origin: germline.
Comment: This sequence change replaces threonine, which is neutral and polar, with arginine, which is basic and polar, at codon 448 of the NUP107 protein (p.Thr448Arg). This variant is not present in population databases (gnomAD no frequency). This variant has not been reported in the literature in individuals affected with NUP107-related conditions. ClinVar contains an entry for this variant (Variation ID: 2023462). Invitae Evidence Modeling of protein sequence and biophysical properties (such as structural, functional, and spatial information, amino acid conservation, physicochemical variation, residue mobility, and thermodynamic stability) indicates that this missense variant is not expected to disrupt NUP107 protein function with a negative predictive value of 80%. In summary, the available evidence is currently insufficient to determine the role of this variant in disease. Therefore, it has been classified as a Variant of Uncertain Significance.